The following is an entry in ClinVar:

ClinVar aggregate classification (germline): Conflicting classifications of pathogenicity. Review status: criteria provided, conflicting classifications (1 of 4 stars). 2 submissions from 2 submitters: Uncertain significance (1); Likely benign (1). Last evaluated 2025-12-22.

Allele frequency attached by ClinVar (database versions not stated): gnomAD exomes 0.00005; ExAC 0.00028; gnomAD 0.00056; TOPMed 0.00060; ESP Exome Variant Server 0.00062; 1000 Genomes Project 30x 0.00078; 1000 Genomes Project 0.00080.
gnomAD v4.1: 161 of 1,585,970 alleles (0.01%); highest among the groups gnomAD compares: African/African-American, 0.16%; no homozygotes.

Submissions (2):

Labcorp Genetics (formerly Invitae), Labcorp
Classification: Likely benign. Last evaluated: 2025-12-22. Review status: criteria provided, single submitter. Criteria: Invitae Variant Classification Sherloc (09022015). Collection method: clinical testing. Allele origin: germline.

GeneDx
Classification: Uncertain significance. Last evaluated: 2025-01-03. Review status: criteria provided, single submitter. Criteria: GeneDx Variant Classification Process June 2021. Collection method: clinical testing. Allele origin: germline. Affected: yes.
Comment: Has not been previously published as pathogenic or benign to our knowledge; In silico analysis supports that this missense variant has a deleterious effect on protein structure/function

NM_003737.4(DCHS1):c.8611C>T (p.Arg2871Trp)

Gene: DCHS1 (dachsous cadherin-related 1; minus strand). Cytogenetic location: 11p15.4.
Variant type: single nucleotide variant.
Coding change: c.8611C>T on transcript NM_003737.4 (MANE Select); coding-DNA position 8611, C replaced by T.
Protein change: p.Arg2871Trp; replaces arginine 2871 with tryptophan.
Molecular consequence: missense variant.
Genome position (GRCh38, 1-based): chr11:6,623,065, G>A on the plus strand (C>T on the coding strand, the complement: DCHS1 is on the minus strand). VCF-style: chr11-6623065-G-A. GRCh37 (hg19) VCF-style: chr11-6644296-G-A.
Other names: short protein forms R2871W.
Identifiers: ClinVar variation 1704794 (VCV001704794.8), dbSNP rs143017017, ClinGen allele CA5859395.